The following is an entry in ClinVar:

NM_002160.4(TNC):c.890A>G (p.Asn297Ser)

Gene: TNC (tenascin C; minus strand). Cytogenetic location: 9q33.1.
Variant type: single nucleotide variant.
Coding change: c.890A>G on transcript NM_002160.4 (MANE Select); coding-DNA position 890, A replaced by G.
Protein change: p.Asn297Ser; replaces asparagine 297 with serine.
Molecular consequence: missense variant.
Genome position (GRCh38, 1-based): chr9:115,086,841, T>C on the plus strand (A>G on the coding strand, the complement: TNC is on the minus strand). VCF-style: chr9-115086841-T-C. GRCh37 (hg19) VCF-style: chr9-117849120-T-C.
Other names: short protein forms N297S.
Identifiers: ClinVar variation 523449 (VCV000523449.4), dbSNP rs1554717312, ClinGen allele CA374629988.

ClinVar aggregate classification (germline): Uncertain significance. Review status: criteria provided, single submitter (1 of 4 stars). 2 submissions from 1 submitter: Uncertain significance (2). Last evaluated 2018-10-16.

Conditions:
Myopia. Also called: Myopia (disease). Identifiers: MedGen C0027092, MONDO:0001384, HP:0000545.
Vertigo. Identifiers: MedGen C0042571, HP:0002321.
Progressive sensorineural hearing impairment. Identifiers: MedGen C1843156, HP:0000408.
Autosomal dominant nonsyndromic hearing loss 56. Also called: Deafness, autosomal dominant 56. Identifiers: Orphanet 90635, MedGen C3810170, MONDO:0014283, OMIM 615629.

Submissions (2):

Centre for Mendelian Genomics, University Medical Centre Ljubljana
Classification: Uncertain significance for Autosomal dominant nonsyndromic hearing loss 56. Last evaluated: 2018-10-16. Review status: criteria provided, single submitter. Criteria: ACMG Guidelines, 2015. Collection method: clinical testing. Allele origin: unknown. Affected: yes.
Comment: This variant was classified as: Uncertain significance. The available evidence on this variant's pathogenicity is insufficient or conflicting. The following ACMG criteria were applied in classifying this variant: PP3,PM2.

Centre for Mendelian Genomics, University Medical Centre Ljubljana
Classification: Uncertain significance for Myopia; Progressive sensorineural hearing impairment; Vertigo. Last evaluated: 2017-01-01. Review status: criteria provided, single submitter. Criteria: ACMG Guidelines, 2015. Collection method: clinical testing. Allele origin: unknown. Affected: yes.